The following continues an entry in ClinVar:

NM_005609.4(PYGM):c.660G>A (p.Gln220=)

Gene: PYGM. ClinVar aggregate classification (germline): Conflicting classifications of pathogenicity. Pathogenic (1); Likely pathogenic (2); Uncertain significance (10); Benign (1); Likely benign (1).

Submissions 11 to 22 of 22:

Genome-Nilou Lab
Classification: Uncertain significance for Glycogen storage disease, type V. Last evaluated: 2021-06-10. Review status: criteria provided, single submitter. Criteria: ACMG Guidelines, 2015. Collection method: clinical testing. Allele origin: germline. Affected: no.

CENTOGENE GmbH and LLC - Guiding Precision Medicine
Classification: Uncertain significance for Glycogen storage disease, type V. Last evaluated: 2018-05-14. Review status: criteria provided, single submitter. Criteria: ACMG Guidelines, 2015. Collection method: clinical testing. Allele origin: germline.

Eurofins Ntd Llc (ga)
Classification: Uncertain significance. Last evaluated: 2015-01-06. Review status: criteria provided, single submitter. Criteria: EGL Classification Definitions 2015. Collection method: clinical testing. Allele origin: germline. Observed: 1 variant allele, 1 heterozygote.

Kids Neuroscience Centre, Sydney Children's Hospitals Network
Classification: Likely pathogenic for Glycogen storage disease, type V. Review status: criteria provided, single submitter. Criteria: Bournazos AM et al. (Genet Med 2021). Collection method: clinical testing. Allele origin: unknown. Inheritance: Autosomal recessive inheritance. Affected: no. Observed: 2 heterozygotes.
Comment: Detected two abnormal splicing events: (1) In-frame exon 5 skipping (r.529_660del). This event removes 44 amino acids from the glycogen phosphorylase domain of PYGM (p.(Met177_Gln220del)), of which 26 residues are conserved to Caenorhabditis elegans, (2) Exon 4 and exon 5 skipping (r.425_660del). This event induces a frameshift and encodes a premature termination codon (p.(Ala142Glyfs*32)). These transcripts are predicted to be targeted by nonsense-mediated decay (NMD). Any mis-spliced PYGM transcripts that escape NMD encode PYGM protein lacking 701 amino acids from the C-terminus, including 697 residues from the glycogen phosphorylase domain.

PreventionGenetics, part of Exact Sciences
Classification: Likely benign. Review status: criteria provided, single submitter. Criteria: ACMG Guidelines, 2015. Collection method: clinical testing. Allele origin: germline.

Natera, Inc.
Classification: Uncertain significance for Glycogen storage disease V. Last evaluated: 2020-04-14. Review status: no assertion criteria provided. Collection method: clinical testing. Allele origin: germline. Not counted in ClinVar's aggregate classification.

Counsyl
Classification: Uncertain significance for Glycogen storage disease, type V. Last evaluated: 2018-05-24. Review status: no assertion criteria provided. Collection method: clinical testing. Allele origin: unknown. Not counted in ClinVar's aggregate classification.

Clinical Genetics DNA and cytogenetics Diagnostics Lab, Erasmus MC, Erasmus Medical Center
Classification: Uncertain significance. Review status: no assertion criteria provided. Collection method: clinical testing. Allele origin: germline. Affected: yes. Study: VKGL Data-share Consensus. Not counted in ClinVar's aggregate classification.

Dr. Peter K. Rogan Lab, Western University
No classification provided (evidence only). Condition: Familial cancer of breast. Review status: no classification provided. Collection method: in vitro. Allele origin: not applicable. Functional consequence: skipped exon. Not counted in ClinVar's aggregate classification.

Dr. Peter K. Rogan Lab, Western University
No classification provided (evidence only). Condition: Malignant tumor of esophagus. Review status: no classification provided. Collection method: in vitro. Allele origin: not applicable. Functional consequence: skipped exon. Not counted in ClinVar's aggregate classification.

Genome Diagnostics Laboratory, Amsterdam University Medical Center
Classification: Uncertain significance. Review status: no assertion criteria provided. Collection method: clinical testing. Allele origin: germline. Affected: yes. Study: VKGL Data-share Consensus. Not counted in ClinVar's aggregate classification.

Laboratory of Diagnostic Genome Analysis, Leiden University Medical Center (LUMC)
Classification: Uncertain significance. Review status: no assertion criteria provided. Collection method: clinical testing. Allele origin: germline. Affected: yes. Study: VKGL Data-share Consensus. Not counted in ClinVar's aggregate classification.

Literature cited by the submitters: PubMed 28967462 (cited by 3 submitters); PubMed 34906502 (cited by 3 submitters); PubMed 25987006 (cited by 4 submitters); PubMed 35628876 (cited by Women's Health and Genetics/Laboratory Corporation of America, LabCorp and Dasa); PubMed 38374194 (cited by Women's Health and Genetics/Laboratory Corporation of America, LabCorp and Dasa); PubMed 29881221 (cited by Practice for Gait Abnormalities, David Pomarino, Competency Network Toe Walking C/o Practice Pomarino); DOI 10.1016/j.rchot.2016.09.001 (cited by Practice for Gait Abnormalities, David Pomarino, Competency Network Toe Walking C/o Practice Pomarino); DOI 10.51793/OS.2022.25.6.010 (cited by Practice for Gait Abnormalities, David Pomarino, Competency Network Toe Walking C/o Practice Pomarino).